The following is an entry in ClinVar:

ClinVar aggregate classification (germline): Uncertain significance (1 of 4 stars; one submission).

Conditions:
Vici syndrome (VICIS). Identifiers: Orphanet 1493, MedGen C1855772, MONDO:0009452, OMIM 242840.

Submission:

Labcorp Genetics (formerly Invitae), Labcorp
Classification: Uncertain significance for Vici syndrome. Last evaluated: 2021-08-28. Review status: criteria provided, single submitter. Criteria: Invitae Variant Classification Sherloc (09022015). Collection method: clinical testing. Allele origin: germline.
Comment: This sequence change replaces glutamine with arginine at codon 2214 of the EPG5 protein (p.Gln2214Arg). The glutamine residue is moderately conserved and there is a small physicochemical difference between glutamine and arginine. This variant is not present in population databases (ExAC no frequency). This variant has not been reported in the literature in individuals affected with EPG5-related conditions. Algorithms developed to predict the effect of missense changes on protein structure and function output the following: SIFT: "Tolerated"; PolyPhen-2: "Benign"; Align-GVGD: "Class C0". The arginine amino acid residue is found in multiple mammalian species, which suggests that this missense change does not adversely affect protein function. In summary, the available evidence is currently insufficient to determine the role of this variant in disease. Therefore, it has been classified as a Variant of Uncertain Significance.

NM_020964.3(EPG5):c.6641A>G (p.Gln2214Arg)

Gene: EPG5 (ectopic P-granules 5 autophagy tethering factor; minus strand). Cytogenetic location: 18q12.3.
Variant type: single nucleotide variant.
Coding change: c.6641A>G on transcript NM_020964.3 (MANE Select); coding-DNA position 6641, A replaced by G.
Protein change: p.Gln2214Arg; replaces glutamine 2214 with arginine.
Molecular consequence: missense variant.
Genome position (GRCh38, 1-based): chr18:45,865,740, T>C on the plus strand (A>G on the coding strand, the complement: EPG5 is on the minus strand). VCF-style: chr18-45865740-T-C. GRCh37 (hg19) VCF-style: chr18-43445705-T-C.
Other names: short protein forms Q2214R.
Identifiers: ClinVar variation 1515452 (VCV001515452.6), dbSNP rs2145257667, ClinGen allele CA402338563.